The following is an entry in ClinVar:

ClinVar aggregate classification (germline): Uncertain significance. Review status: criteria provided, multiple submitters, no conflicts (2 of 4 stars). 2 submissions from 2 submitters: Uncertain significance (2). Last evaluated 2025-08-27.

Allele frequency attached by ClinVar (database versions not stated): TOPMed 0.00002; gnomAD 0.00007.
gnomAD v4.1: 34 of 1,613,496 alleles (0.0021%); highest among the groups gnomAD compares: African/African-American, 0.0027%; no homozygotes.

Submissions (2):

Ambry Genetics
Classification: Uncertain significance. Last evaluated: 2025-08-27. Review status: criteria provided, single submitter. Criteria: Ambry Variant Classification Scheme 2023. Collection method: clinical testing. Allele origin: germline.

Labcorp Genetics (formerly Invitae), Labcorp
Classification: Uncertain significance. Last evaluated: 2022-04-18. Review status: criteria provided, single submitter. Criteria: Invitae Variant Classification Sherloc (09022015). Collection method: clinical testing. Allele origin: germline.
Comment: This sequence change replaces arginine, which is basic and polar, with histidine, which is basic and polar, at codon 465 of the SBF1 protein (p.Arg465His). This variant is present in population databases (rs199833729, gnomAD 0.06%). This variant has not been reported in the literature in individuals affected with SBF1-related conditions. Algorithms developed to predict the effect of missense changes on protein structure and function output the following: SIFT: "Deleterious"; PolyPhen-2: "Possibly Damaging"; Align-GVGD: "Class C0". The histidine amino acid residue is found in multiple mammalian species, which suggests that this missense change does not adversely affect protein function. In summary, the available evidence is currently insufficient to determine the role of this variant in disease. Therefore, it has been classified as a Variant of Uncertain Significance.

NM_002972.4(SBF1):c.1394G>A (p.Arg465His)

Gene: SBF1 (SET binding factor 1; minus strand). Cytogenetic location: 22q13.33.
Variant type: single nucleotide variant.
Coding change: c.1394G>A on transcript NM_002972.4 (MANE Select); coding-DNA position 1394, G replaced by A.
Protein change: p.Arg465His; replaces arginine 465 with histidine.
Molecular consequence: missense variant.
Genome position (GRCh38, 1-based): chr22:50,464,856, C>T on the plus strand (G>A on the coding strand, the complement: SBF1 is on the minus strand). VCF-style: chr22-50464856-C-T. GRCh37 (hg19) VCF-style: chr22-50903285-C-T.
Other names: c.1394G>A (NM_002972.2); c.1397G>A, p.Arg466His (NM_001365819.1, NM_001410794.1); c.1394G>A, p.Arg465His (NM_001410795.1, NM_197971.1); short protein forms R466H, R465H.
Identifiers: ClinVar variation 2182078 (VCV002182078.2), dbSNP rs199833729, ClinGen allele CA10317689.
Genomic context (GRCh38, chr22:50,464,856, plus strand): 5'-CTCCCGTCCTGCTACCCTCGTACGTTCTTGTAGAGCTGCTCTGCCAGTTCCTGGACGTGA[C>T]GCAGGACACGCTGGGGGTGGTTCTCATCCGCCCGCATCCTTGCCACCTCGTGGGCCACCA-3'
Protein context (NP_002963.2, residues 455-475): ADENHPQRVL[Arg465His]HVQELAEQLY